The following is an entry in ClinVar:

Conditions:
Breast-ovarian cancer, familial, susceptibility to, 1 (BROVCA1). Also called: BRCA1 Hereditary Breast and Ovarian Cancer; OVARIAN CANCER, SUSCEPTIBILITY TO. Identifiers: Orphanet 145, MedGen C2676676, MONDO:0011450, OMIM 604370. Disease mechanism: loss of function.

Submission:

Brotman Baty Institute, University of Washington
No classification provided (evidence only). Condition: Breast-ovarian cancer, familial 1. Review status: no classification provided. Collection method: in vitro. Allele origin: not applicable. Functional consequence: functionally_normal.
ClinVar note: "not provided" was previously submitted as the classification for the variant. However, the classification appeared to be based only on an observation of functional data so it was converted to no classification on 2025-07-30.

NM_007294.4(BRCA1):c.5343A>T (p.Glu1781Asp)

Gene: BRCA1 (BRCA1 DNA repair associated; minus strand). Cytogenetic location: 17q21.31.
Variant type: single nucleotide variant.
Coding change: c.5343A>T on transcript NM_007294.4 (MANE Select); coding-DNA position 5343, A replaced by T.
Protein change: p.Glu1781Asp; replaces glutamic acid 1781 with aspartic acid.
Molecular consequence: missense variant. On other transcripts: non-coding transcript variant (1), intron variant (1).
Genome position (GRCh38, 1-based): chr17:43,049,184, T>A on the plus strand (A>T on the coding strand, the complement: BRCA1 is on the minus strand). VCF-style: chr17-43049184-T-A. GRCh37 (hg19) VCF-style: chr17-41201201-T-A.
Other names: c.5130A>T, p.Glu1710Asp (NM_001407571.1, NM_001407898.1, NM_001407899.1 and 12 more transcripts); c.5409A>T, p.Glu1803Asp (NM_001407581.1, NM_001407582.1); c.5406A>T, p.Glu1802Asp (NM_001407583.1, NM_001407585.1, NM_001407587.1 and 1 more transcripts); c.5403A>T, p.Glu1801Asp (NM_001407590.1, NM_001407591.1); c.5343A>T, p.Glu1781Asp (NM_001407593.1, NM_001407594.1, NM_001407596.1 and 5 more transcripts); c.5340A>T, p.Glu1780Asp (NM_001407610.1, NM_001407621.1, NM_001407622.1 and 14 more transcripts); c.5337A>T, p.Glu1779Asp (NM_001407627.1, NM_001407628.1, NM_001407629.1 and 13 more transcripts); c.5334A>T, p.Glu1778Asp (NM_001407644.1, NM_001407645.1); and 73 more; short protein forms E1781D, E1734D, E677D, E1802D, E1612D, E1627D, E1712D, E1732D.
Identifiers: ClinVar variation 868356 (VCV000868356.3), dbSNP rs1555575182, ClinGen allele CA10590777.
Genomic context (GRCh38, chr17:43,049,184, plus strand): 5'-GCCAAGGGTGAATGATGAAAGCTCCTTCACCACAGAAGCACCACACAGCTGTACCATCCA[T>A]TCCAGTTGATCTAAAATGGACATTTAGATGTAAAATCACTGCAGTAATCTGCATACTTAA-3'
Protein context (NP_009225.1, residues 1771-1791): PFTNMPTDQL[Glu1781Asp]WMVQLCGASV